The following is an entry in ClinVar:

ClinVar aggregate classification (germline): Uncertain significance (1 of 4 stars; one submission).

Conditions:
Thrombomodulin-related bleeding disorder (THPH12). Also called: Thrombophilia due to thrombomodulin defect. Identifiers: Orphanet 436169, MedGen C3280976, MONDO:0013775, OMIM 614486.

Submission:

Genomenon, Inc
Classification: Uncertain significance for Thrombomodulin-related bleeding disorder. Last evaluated: 2025-09-22. Review status: criteria provided, single submitter. Criteria: Genomenon Sequence Variant Interpretation Standards - Updated. Collection method: curation. Allele origin: germline. Affected: no.
Comment: THBD p.Gly77Ser (c.229G>A) is a missense variant that changes the amino acid at residue 77 from Glycine to Serine. This variant has been reported in the published literature (PMID:30890598). It is absent or not present at a significant frequency in gnomAD. In silico models agree that this variant is not damaging. In conclusion, we classify THBD p.Gly77Ser (c.229G>A) as a variant of unknown significance.

Literature cited by the submitters: PubMed 30890598.

NM_000361.3(THBD):c.229G>A (p.Gly77Ser)

Gene: THBD (thrombomodulin; minus strand). Cytogenetic location: 20p11.21.
Variant type: single nucleotide variant.
Coding change: c.229G>A on transcript NM_000361.3 (MANE Select); coding-DNA position 229, G replaced by A.
Protein change: p.Gly77Ser; replaces glycine 77 with serine.
Molecular consequence: missense variant.
Genome position (GRCh38, 1-based): chr20:23,049,276, C>T on the plus strand (G>A on the coding strand, the complement: THBD is on the minus strand). VCF-style: chr20-23049276-C-T. GRCh37 (hg19) VCF-style: chr20-23029913-C-T.
Other names: short protein forms G77S.
Identifiers: ClinVar variation 4280582 (VCV004280582.1).